The following is an entry in ClinVar:

NM_001371596.2(MFSD8):c.5C>T (p.Ala2Val)

Gene: MFSD8 (major facilitator superfamily domain containing 8; minus strand). Cytogenetic location: 4q28.2.
Variant type: single nucleotide variant.
Coding change: c.5C>T on transcript NM_001371596.2 (MANE Select); coding-DNA position 5, C replaced by T.
Protein change: p.Ala2Val; replaces alanine 2 with valine.
Molecular consequence: missense variant. On other transcripts: 5 prime UTR variant (1), intron variant (2).
Genome position (GRCh38, 1-based): chr4:127,965,129, G>A on the plus strand (C>T on the coding strand, the complement: MFSD8 is on the minus strand). VCF-style: chr4-127965129-G-A. GRCh37 (hg19) VCF-style: chr4-128886284-G-A.
Other names: c.5C>T, p.Ala2Val (NM_001363520.3, NM_001363521.3, NM_001371591.2 and 5 more transcripts); c.-129C>T (NM_001371595.1); c.-74+768C>T (NM_001410765.1, NM_001371590.2); short protein forms A2V.
Identifiers: ClinVar variation 626139 (VCV000626139.8), dbSNP rs867524398, ClinGen allele CA105647820.

ClinVar aggregate classification (germline): Uncertain significance. Review status: criteria provided, multiple submitters, no conflicts (2 of 4 stars). 2 submissions from 2 submitters: Uncertain significance (2). Last evaluated 2023-12-22.

Conditions:
Neuronal ceroid lipofuscinosis 7 (CLN7). Also called: MFSD8-Related Neuronal Ceroid-Lipofuscinosis. Identifiers: Orphanet 168491, Orphanet 228366, MedGen C1838571, MONDO:0012588, OMIM 610951.
Macular dystrophy with central cone involvement (CCMD). Identifiers: MedGen C4015371, MONDO:0014515, OMIM 616170.

Allele frequency attached by ClinVar (database versions not stated): gnomAD exomes below 0.00001.
gnomAD v4.1: 2 of 1,613,942 alleles (0.00012%); highest among the groups gnomAD compares: Admixed American, 0.0017%; no homozygotes.

Submissions (2):

Labcorp Genetics (formerly Invitae), Labcorp
Classification: Uncertain significance for Neuronal ceroid lipofuscinosis 7. Last evaluated: 2023-12-22. Review status: criteria provided, single submitter. Criteria: Invitae Variant Classification Sherloc (09022015). Collection method: clinical testing. Allele origin: germline.
Comment: This sequence change replaces alanine, which is neutral and non-polar, with valine, which is neutral and non-polar, at codon 2 of the MFSD8 protein (p.Ala2Val). The frequency data for this variant in the population databases is considered unreliable, as metrics indicate poor data quality at this position in the gnomAD database. This variant has not been reported in the literature in individuals affected with MFSD8-related conditions. ClinVar contains an entry for this variant (Variation ID: 626139). An algorithm developed to predict the effect of missense changes on protein structure and function (PolyPhen-2) suggests that this variant¬†is likely to be tolerated. In summary, the available evidence is currently insufficient to determine the role of this variant in disease. Therefore, it has been classified as a Variant of Uncertain Significance.

Center for Genomics, Ann and Robert H. Lurie Children's Hospital of Chicago
Classification: Uncertain significance for Macular dystrophy with central cone involvement; Neuronal ceroid lipofuscinosis 7. Review status: criteria provided, single submitter. Criteria: ACMG Guidelines, 2015. Collection method: clinical testing. Allele origin: germline.
Comment: MFSD8 NM_152778 exon 2 p.Ala2Val (c.5C>T): This variant has not been reported in the literature and is not present in large control databases. Evolutionary conservation and computational predictive tools for this variant are unclear. In summary, data on this variant is insufficient for disease classification. Therefore, the clinical significance of this variant is uncertain